The following is an entry in ClinVar:

ClinVar aggregate classification (germline): Likely benign (0 of 4 stars; one submission).

Conditions:
RPS6KA3-related disorder. Also called: RPS6KA3-related condition.

gnomAD v4.1: 1 of 1,204,152 alleles (0.000083%); no homozygotes.

Submission:

PreventionGenetics, part of Exact Sciences
Classification: Likely benign for RPS6KA3-related condition. Last evaluated: 2023-02-17. Review status: no assertion criteria provided. Collection method: clinical testing. Allele origin: germline.
Comment: This variant is classified as likely benign based on ACMG/AMP sequence variant interpretation guidelines (Richards et al. 2015 PMID: 25741868, with internal and published modifications).

NM_004586.3(RPS6KA3):c.1317T>C (p.Cys439=)

Gene: RPS6KA3 (ribosomal protein S6 kinase A3; minus strand). Cytogenetic location: Xp22.12.
Variant type: single nucleotide variant.
Coding change: c.1317T>C on transcript NM_004586.3 (MANE Select); coding-DNA position 1317, T replaced by C.
Protein change: p.Cys439=; no amino-acid change (cysteine 439 retained).
Molecular consequence: synonymous variant.
Genome position (GRCh38, 1-based): chrX:20,172,782, A>G on the plus strand (T>C on the coding strand, the complement: RPS6KA3 is on the minus strand). VCF-style: chrX-20172782-A-G. GRCh37 (hg19) VCF-style: chrX-20190900-A-G.
Identifiers: ClinVar variation 3045874 (VCV003045874.2), dbSNP rs2519665235, ClinGen allele CA515614061.
Genomic context (GRCh38, chrX:20,172,782, plus strand): 5'-GCATTTTAAATAAAAAAAATTTACCTTCACTGCAAACTCCATGTTTGTAGCTTTATGTAT[A>G]CATCTCTTGCAAACAGAGTAGGAGCCAACTCCAATATCTTCTTTTACTTCATATCCATCA-3'
Protein context (NP_004577.1, residues 429-449): GVGSYSVCKR[Cys439=]IHKATNMEFA